The following is an entry in ClinVar:

ClinVar aggregate classification (germline): Likely benign. Review status: criteria provided, multiple submitters, no conflicts (2 of 4 stars). 2 submissions from 2 submitters: Likely benign (2). Last evaluated 2025-11-14.

Conditions:
LAMA3-related disorder. Also called: LAMA3-related disorders; LAMA3-related condition.

gnomAD v4.1: 174 of 1,611,890 alleles (0.011%); highest among the groups gnomAD compares: Middle Eastern, 0.033%; no homozygotes.

Submissions (2):

PreventionGenetics, part of Exact Sciences
Classification: Likely benign for LAMA3-related condition. Last evaluated: 2025-11-14. Review status: criteria provided, single submitter. Criteria: ACMG Guidelines, 2015. Collection method: clinical testing. Allele origin: germline.
Comment: This variant is classified as likely benign based on ACMG/AMP sequence variant interpretation guidelines (Richards et al. 2015 PMID: 25741868, with internal and published modifications).

Blueprint Genetics
Classification: Likely benign. Last evaluated: 2024-10-25. Review status: criteria provided, single submitter. Criteria: ACMG Guidelines, 2015. Collection method: clinical testing. Allele origin: germline.

NM_198129.4(LAMA3):c.4668G>A (p.Pro1556=)

Gene: LAMA3 (laminin subunit alpha 3; plus strand). Cytogenetic location: 18q11.2.
Variant type: single nucleotide variant.
Coding change: c.4668G>A on transcript NM_198129.4 (MANE Select); coding-DNA position 4668, G replaced by A.
Protein change: p.Pro1556=; no amino-acid change (proline 1556 retained).
Molecular consequence: synonymous variant.
Genome position (GRCh38, 1-based): chr18:23,864,868, G>A. VCF-style: chr18-23864868-G-A. GRCh37 (hg19) VCF-style: chr18-21444832-G-A.
Other names: c.4668G>A (NM_198129.2); c.4668G>A, p.Pro1556= (NM_001127717.4).
Identifiers: ClinVar variation 4938367 (VCV004938367.2).
Genomic context (GRCh38, chr18:23,864,868, plus strand): 5'-CACTTACCAAGCCAAGTCCTTTGGCTTGCCTGGCGACATGGTTCTTCTGGAAAAGAAGCC[G>A]GATGTACAGCTCACTGTAGGTATCAGAGCATGACCTAAGTGGCAGGAAGTGGCAGTTGCA-3'
Protein context (NP_937762.2, residues 1546-1566): PGDMVLLEKK[Pro1556=]DVQLTGQHMS